The following is an entry in ClinVar:

ClinVar aggregate classification (germline): Uncertain significance (1 of 4 stars; one submission).

Submission:

Labcorp Genetics (formerly Invitae), Labcorp
Classification: Uncertain significance. Last evaluated: 2021-07-26. Review status: criteria provided, single submitter. Criteria: Invitae Variant Classification Sherloc (09022015). Collection method: clinical testing. Allele origin: germline.
Comment: This variant is not present in population databases (ExAC no frequency). This sequence change replaces glycine with arginine at codon 269 of the LAMC3 protein (p.Gly269Arg). The glycine residue is highly conserved and there is a moderate physicochemical difference between glycine and arginine. This variant has not been reported in the literature in individuals affected with LAMC3-related conditions. In summary, the available evidence is currently insufficient to determine the role of this variant in disease. Therefore, it has been classified as a Variant of Uncertain Significance. Algorithms developed to predict the effect of missense changes on protein structure and function are either unavailable or do not agree on the potential impact of this missense change (SIFT: "Deleterious"; PolyPhen-2: "Probably Damaging"; Align-GVGD: "Class C0").

NM_006059.4(LAMC3):c.805G>C (p.Gly269Arg)

Gene: LAMC3 (laminin subunit gamma 3; plus strand). Cytogenetic location: 9q34.12.
Variant type: single nucleotide variant.
Coding change: c.805G>C on transcript NM_006059.4 (MANE Select); coding-DNA position 805, G replaced by C.
Protein change: p.Gly269Arg; replaces glycine 269 with arginine.
Molecular consequence: missense variant.
Genome position (GRCh38, 1-based): chr9:131,032,171, G>C. VCF-style: chr9-131032171-G-C. GRCh37 (hg19) VCF-style: chr9-133907558-G-C.
Other names: short protein forms G269R.
Identifiers: ClinVar variation 1429315 (VCV001429315.6), dbSNP rs771194030, ClinGen allele CA375254737.